The following is an entry in ClinVar:

NM_003036.4(SKI):c.1478CCT[2] (p.Ser495del)

Gene: SKI (SKI proto-oncogene; plus strand). Cytogenetic location: 1p36.32.
Variant type: Microsatellite.
Coding change: c.1478CCT[2] on transcript NM_003036.4 (MANE Select); two copies in a row of the 3-base unit CCT starting at c.1478; the reference has three copies in a row; one copy, 3 bases deleted.
Protein change: p.Ser495del; deletes serine 495.
Molecular consequence: inframe deletion.
Genome position (GRCh38, 1-based): chr1:2,304,302-2,304,304, CCT deleted; deleting any 3 consecutive bases within chr1:2,304,296-2,304,304 gives the same sequence; the position shown is the placement nearest the transcript's 3' end. VCF-style (leftmost placement, unchanged base first): chr1-2304295-ACCT-A. GRCh37 (hg19) VCF-style: chr1-2235734-ACCT-A.
Other names: short protein forms S495del.
Identifiers: ClinVar variation 2902850 (VCV002902850.3), dbSNP rs1317128060, ClinGen allele CA732595741.

ClinVar aggregate classification (germline): Uncertain significance (1 of 4 stars; one submission).

Conditions:
Shprintzen-Goldberg syndrome (SGS). Also called: SHPRINTZEN-GOLDBERG CRANIOSYNOSTOSIS SYNDROME; CRANIOSYNOSTOSIS WITH ARACHNODACTYLY AND ABDOMINAL HERNIAS; Marfanoid disorder with craniosynostosis type 1; Marfanoid craniosynostosis syndrome; Shprintzen-Goldberg marfanoid syndrome. Identifiers: Orphanet 2462, MedGen C1321551, MONDO:0008426, OMIM 182212.

Submission:

Labcorp Genetics (formerly Invitae), Labcorp
Classification: Uncertain significance for Shprintzen-Goldberg syndrome. Last evaluated: 2024-02-20. Review status: criteria provided, single submitter. Criteria: Invitae Variant Classification Sherloc (09022015). Collection method: clinical testing. Allele origin: germline.
Comment: This variant, c.1484_1486del, results in the deletion of 1 amino acid(s) of the SKI protein (p.Ser495del), but otherwise preserves the integrity of the reading frame. This variant is not present in population databases (gnomAD no frequency). This variant has not been reported in the literature in individuals affected with SKI-related conditions. Experimental studies and prediction algorithms are not available or were not evaluated, and the functional significance of this variant is currently unknown. In summary, the available evidence is currently insufficient to determine the role of this variant in disease. Therefore, it has been classified as a Variant of Uncertain Significance.